The following is an entry in ClinVar:

NM_001130438.3(SPTAN1):c.4460A>G (p.His1487Arg)

Gene: SPTAN1 (spectrin alpha, non-erythrocytic 1; plus strand). Cytogenetic location: 9q34.11.
Variant type: single nucleotide variant.
Coding change: c.4460A>G on transcript NM_001130438.3 (MANE Select); coding-DNA position 4460, A replaced by G.
Protein change: p.His1487Arg; replaces histidine 1487 with arginine.
Molecular consequence: missense variant.
Genome position (GRCh38, 1-based): chr9:128,608,245, A>G. VCF-style: chr9-128608245-A-G. GRCh37 (hg19) VCF-style: chr9-131370524-A-G.
Other names: c.4400A>G, p.His1467Arg (NM_001195532.2, NM_001363765.2, NM_001375314.2); c.4460A>G, p.His1487Arg (NM_001363759.2, NM_001375310.1, NM_001375311.2 and 2 more transcripts); c.4496A>G, p.His1499Arg (NM_001375312.2, NM_001375318.1); short protein forms H1499R, H1467R, H1487R.
Identifiers: ClinVar variation 955343 (VCV000955343.10), dbSNP rs1589311413, ClinGen allele CA375067298.

ClinVar aggregate classification (germline): Uncertain significance (1 of 4 stars; one submission).

Conditions:
Early-infantile DEE. Also called: Early infantile epileptic encephalopathy; Ohtahara syndrome; Early infantile epileptic encephalopathy with suppression bursts. Identifiers: Orphanet 1934, MedGen C0393706, MONDO:0800491.

Allele frequency attached by ClinVar (database versions not stated): gnomAD exomes below 0.00001.
gnomAD v4.1: 2 of 1,614,220 alleles (0.00012%); highest among the groups gnomAD compares: Non-Finnish European, 0.00017%; no homozygotes.

Submission:

Labcorp Genetics (formerly Invitae), Labcorp
Classification: Uncertain significance for Early-infantile DEE. Last evaluated: 2022-02-10. Review status: criteria provided, single submitter. Criteria: Invitae Variant Classification Sherloc (09022015). Collection method: clinical testing. Allele origin: germline.
Comment: In summary, the available evidence is currently insufficient to determine the role of this variant in disease. Therefore, it has been classified as a Variant of Uncertain Significance. Algorithms developed to predict the effect of missense changes on protein structure and function (SIFT, PolyPhen-2, Align-GVGD) all suggest that this variant is likely to be disruptive. ClinVar contains an entry for this variant (Variation ID: 955343). This variant has not been reported in the literature in individuals affected with SPTAN1-related conditions. This variant is not present in population databases (gnomAD no frequency). This sequence change replaces histidine, which is basic and polar, with arginine, which is basic and polar, at codon 1487 of the SPTAN1 protein (p.His1487Arg).